The following is an entry in ClinVar:

ClinVar aggregate classification (germline): Uncertain significance (1 of 4 stars; one submission).

Conditions:
Primary ciliary dyskinesia. Also called: Ciliary dyskinesia. Identifiers: Orphanet 244, MedGen C0008780, MONDO:0016575, HP:0012265.

Allele frequency attached by ClinVar (database versions not stated): gnomAD exomes below 0.00001; TOPMed 0.00001; ExAC 0.00002.
gnomAD v4.1: 3 of 1,607,614 alleles (0.00019%); highest among the groups gnomAD compares: Non-Finnish European, 0.00025%; no homozygotes.

Submission:

Labcorp Genetics (formerly Invitae), Labcorp
Classification: Uncertain significance for Primary ciliary dyskinesia. Last evaluated: 2023-10-05. Review status: criteria provided, single submitter. Criteria: Invitae Variant Classification Sherloc (09022015). Collection method: clinical testing. Allele origin: germline.
Comment: This sequence change replaces glycine, which is neutral and non-polar, with serine, which is neutral and polar, at codon 513 of the DNAAF5 protein (p.Gly513Ser). This variant is present in population databases (rs765393246, gnomAD 0.003%). This variant has not been reported in the literature in individuals affected with DNAAF5-related conditions. Advanced modeling of protein sequence and biophysical properties (such as structural, functional, and spatial information, amino acid conservation, physicochemical variation, residue mobility, and thermodynamic stability) performed at Invitae indicates that this missense variant is not expected to disrupt DNAAF5 protein function. In summary, the available evidence is currently insufficient to determine the role of this variant in disease. Therefore, it has been classified as a Variant of Uncertain Significance.

NM_017802.4(DNAAF5):c.1537G>A (p.Gly513Ser)

Gene: DNAAF5 (dynein axonemal assembly factor 5; plus strand). Cytogenetic location: 7p22.3.
Variant type: single nucleotide variant.
Coding change: c.1537G>A on transcript NM_017802.4 (MANE Select); coding-DNA position 1537, G replaced by A.
Protein change: p.Gly513Ser; replaces glycine 513 with serine.
Molecular consequence: missense variant. On other transcripts: non-coding transcript variant (1).
Genome position (GRCh38, 1-based): chr7:761,819, G>A. VCF-style: chr7-761819-G-A. GRCh37 (hg19) VCF-style: chr7-801456-G-A.
Other names: short protein forms G513S.
Identifiers: ClinVar variation 2805869 (VCV002805869.2), dbSNP rs765393246, ClinGen allele CA4110774.